The following is an entry in ClinVar:

NM_000284.4(PDHA1):c.12_13insACTT (p.Leu5fs)

Gene: PDHA1 (pyruvate dehydrogenase E1 subunit alpha 1; plus strand). Cytogenetic location: Xp22.12.
Variant type: Insertion.
Coding change: c.12_13insACTT on transcript NM_000284.4 (MANE Select); coding-DNA positions 12 to 13, ACTT inserted.
Protein change: p.Leu5fs; shifts the reading frame from leucine 5.
Molecular consequence: frameshift variant.
Genome position: GRCh38 VCF-style: chrX-19344049-G-GACTT. GRCh37 (hg19) VCF-style: chrX-19362167-G-GACTT.
Other names: c.12_13insACTT, p.Leu5fs (NM_001173454.2, NM_001173455.2, NM_001173456.2); short protein forms L5fs.
Identifiers: ClinVar variation 4070294 (VCV004070294.1).

ClinVar aggregate classification (germline): Pathogenic (0 of 4 stars; one submission).

Conditions:
Pyruvate dehydrogenase E1-alpha deficiency (PDHAD). Also called: ATAXIA, INTERMITTENT, WITH PYRUVATE DEHYDROGENASE DEFICIENCY; ATAXIA WITH LACTIC ACIDOSIS I; ATAXIA, INTERMITTENT, WITH ABNORMAL PYRUVATE METABOLISM; Ataxia, intermittent, with pyruvate dehydrogenase, or decarboxylase, deficiency. Identifiers: Orphanet 79243, MedGen C1839413, MONDO:0010717, OMIM 312170.

Submission:

PDHA1 Study Group, University Children’s Hospital, Paracelsus Medical University
Classification: Pathogenic for Pyruvate dehydrogenase E1-alpha deficiency. Last evaluated: 2024-10-15. Review status: no assertion criteria provided. Collection method: research. Allele origin: germline. Affected: yes. Observed: 1 variant allele.
Comment: The NM_000284.3:c.12_13insACTT (p.Leu5ThrfsTer26) change is a frameshift variant in PDHA1 gene. This variant is predicted to escape nonsense-mediated decay (NMD). Last literature search: July 12, 2024. This variant is absent or extremely rare in population-based cohorts in the Genome Aggregation Database (gnomAD). Individuals harboring this variant presented with clinical features compatible with PDHA1-related PDHc deficiency. In summary, this variant meets criteria to be classified as pathogenic (P) for PDHA1-related PDHc deficiency based on the ACMG/AMP criteria applied: PVS1, PM2 (last assessment October 15, 2024).

Literature cited by the submitters: DOI 10.1093/brain/awaf430.